The following is an entry in ClinVar:

NM_001394062.1(MACF1):c.18733A>G (p.Thr6245Ala)

Gene: MACF1 (microtubule actin crosslinking factor 1; plus strand). Cytogenetic location: 1p34.3.
Variant type: single nucleotide variant.
Coding change: c.18733A>G on transcript NM_001394062.1 (MANE Select); coding-DNA position 18733, A replaced by G.
Protein change: p.Thr6245Ala; replaces threonine 6245 with alanine.
Molecular consequence: missense variant.
Genome position (GRCh38, 1-based): chr1:39,442,012, A>G. VCF-style: chr1-39442012-A-G. GRCh37 (hg19) VCF-style: chr1-39907684-A-G.
Other names: c.6811A>G, p.Thr2271Ala (NM_001397473.1); c.12556A>G, p.Thr4186Ala (NM_012090.5); short protein forms T2271A, T4186A, T6245A.
Identifiers: ClinVar variation 4881754 (VCV004881754.2).

ClinVar aggregate classification (germline): Uncertain significance (1 of 4 stars; one submission).

Submission:

Dasa
Classification: Uncertain significance. Last evaluated: 2024-11-25. Review status: criteria provided, single submitter. Criteria: DASA Assertion Criteria. Collection method: clinical testing. Allele origin: germline.
Comment: NM_001394062.1(MACF1):c.18733A>G (p.Thr6245Ala) is a missense variant that results in the substitution of threonine with alanine. This variant is absent from population databases. Computational prediction algorithms are consistent with a benign effect. The currently available literature and clinical evidence are not sufficient to establish a definitive association between this variant and the reported condition. Therefore, this variant is classified as a variant of uncertain significance.